The following is an entry in ClinVar:

NM_001113378.2(FANCI):c.3428C>G (p.Thr1143Arg)

Gene: FANCI (FA complementation group I; plus strand). Cytogenetic location: 15q26.1.
Variant type: single nucleotide variant.
Coding change: c.3428C>G on transcript NM_001113378.2 (MANE Select); coding-DNA position 3428, C replaced by G.
Protein change: p.Thr1143Arg; replaces threonine 1143 with arginine.
Molecular consequence: missense variant.
Genome position (GRCh38, 1-based): chr15:89,306,085, C>G. VCF-style: chr15-89306085-C-G. GRCh37 (hg19) VCF-style: chr15-89849316-C-G.
Other names: c.3149C>G, p.Thr1050Arg (NM_001376910.1); c.3428C>G, p.Thr1143Arg (NM_001376911.1); c.3248C>G, p.Thr1083Arg (NM_018193.3); short protein forms T1083R, T1143R, T1050R.
Identifiers: ClinVar variation 1430840 (VCV001430840.5), dbSNP rs772071601, ClinGen allele CA393740504.

ClinVar aggregate classification (germline): Uncertain significance (1 of 4 stars; one submission).

Conditions:
Fanconi anemia (FA). Also called: Fanconi's anemia. Identifiers: Orphanet 84, MedGen C0015625, MeSH D005199, MONDO:0019391.

Submission:

Labcorp Genetics (formerly Invitae), Labcorp
Classification: Uncertain significance for Fanconi anemia. Last evaluated: 2021-08-24. Review status: criteria provided, single submitter. Criteria: Invitae Variant Classification Sherloc (09022015). Collection method: clinical testing. Allele origin: germline.
Comment: This sequence change replaces threonine with arginine at codon 1143 of the FANCI protein (p.Thr1143Arg). The threonine residue is highly conserved and there is a moderate physicochemical difference between threonine and arginine. This variant is not present in population databases (ExAC no frequency). This variant has not been reported in the literature in individuals affected with FANCI-related conditions. Algorithms developed to predict the effect of missense changes on protein structure and function (SIFT, PolyPhen-2, Align-GVGD) all suggest that this variant is likely to be tolerated. Algorithms developed to predict the effect of sequence changes on RNA splicing suggest that this variant may create or strengthen a splice site. In summary, the available evidence is currently insufficient to determine the role of this variant in disease. Therefore, it has been classified as a Variant of Uncertain Significance.